The following is an entry in ClinVar:

ClinVar aggregate classification (germline): Uncertain significance (1 of 4 stars; one submission).

Conditions:
Ulnar-mammary syndrome (UMS). Also called: SCHINZEL SYNDROME; Ulnar-mammary syndrome of Pallister; PALLISTER ULNAR-MAMMARY SYNDROME. Identifiers: Orphanet 3138, MedGen C1866994, MONDO:0008411, OMIM 181450.

Submission:

Labcorp Genetics (formerly Invitae), Labcorp
Classification: Uncertain significance for Ulnar-mammary syndrome. Last evaluated: 2023-11-06. Review status: criteria provided, single submitter. Criteria: Invitae Variant Classification Sherloc (09022015). Collection method: clinical testing. Allele origin: germline.
Comment: This sequence change replaces glutamic acid, which is acidic and polar, with glutamine, which is neutral and polar, at codon 360 of the TBX3 protein (p.Glu360Gln). This variant is not present in population databases (gnomAD no frequency). This variant has not been reported in the literature in individuals affected with TBX3-related conditions. An algorithm developed to predict the effect of missense changes on protein structure and function (PolyPhen-2) suggests that this variant is likely to be disruptive. In summary, the available evidence is currently insufficient to determine the role of this variant in disease. Therefore, it has been classified as a Variant of Uncertain Significance.

NM_005996.4(TBX3):c.1078G>C (p.Glu360Gln)

Gene: TBX3 (T-box transcription factor 3; minus strand). Cytogenetic location: 12q24.21.
Variant type: single nucleotide variant.
Coding change: c.1078G>C on transcript NM_005996.4 (MANE Select); coding-DNA position 1078, G replaced by C.
Protein change: p.Glu360Gln; replaces glutamic acid 360 with glutamine.
Molecular consequence: missense variant.
Genome position (GRCh38, 1-based): chr12:114,674,797, C>G on the plus strand (G>C on the coding strand, the complement: TBX3 is on the minus strand). VCF-style: chr12-114674797-C-G. GRCh37 (hg19) VCF-style: chr12-115112602-C-G.
Other names: c.1138G>C, p.Glu380Gln (NM_016569.4); short protein forms E380Q, E360Q.
Identifiers: ClinVar variation 2780751 (VCV002780751.3), dbSNP rs865915137, ClinGen allele CA386869665.
Genomic context (GRCh38, chr12:114,674,797, plus strand): 5'-ACGTGGTGGTGGAGATCTTGGCCGCGTCGCAGGCCTCGGGGCCATGCTCCTCTTTGCTCT[C>G]GGCCTCGGCGTCGCTCTCACCCTCGCTGGGACATAAATCTACCACAGGCGAAGGAAAAAA-3'
Protein context (NP_005987.3, residues 350-370): PSEGESDAEA[Glu360Gln]SKEEHGPEAC